The following is an entry in ClinVar:

NM_006949.4(STXBP2):c.133T>C (p.Cys45Arg)

Gene: STXBP2 (syntaxin binding protein 2; plus strand). Cytogenetic location: 19p13.2.
Variant type: single nucleotide variant.
Coding change: c.133T>C on transcript NM_006949.4 (MANE Select); coding-DNA position 133, T replaced by C.
Protein change: p.Cys45Arg; replaces cysteine 45 with arginine.
Molecular consequence: missense variant. On other transcripts: non-coding transcript variant (1).
Genome position (GRCh38, 1-based): chr19:7,639,064, T>C. VCF-style: chr19-7639064-T-C. GRCh37 (hg19) VCF-style: chr19-7703950-T-C.
Other names: c.133T>C, p.Cys45Arg (NM_001127396.3, NM_001272034.2); short protein forms C45R.
Identifiers: ClinVar variation 1393037 (VCV001393037.8), dbSNP rs2146206769, ClinGen allele CA403155383.

ClinVar aggregate classification (germline): Uncertain significance (1 of 4 stars; one submission).

Conditions:
Familial hemophagocytic lymphohistiocytosis 5. Also called: STXBP2-Related Familial Hemophagocytic Lymphohistiocytosis (STXBP2-fHLH). Identifiers: Orphanet 540, MedGen C2751293, MONDO:0013135, OMIM 613101.

Submission:

Labcorp Genetics (formerly Invitae), Labcorp
Classification: Uncertain significance for Familial hemophagocytic lymphohistiocytosis 5. Last evaluated: 2021-05-04. Review status: criteria provided, single submitter. Criteria: Invitae Variant Classification Sherloc (09022015). Collection method: clinical testing. Allele origin: germline.
Comment: In summary, the available evidence is currently insufficient to determine the role of this variant in disease. Therefore, it has been classified as a Variant of Uncertain Significance. This sequence change replaces cysteine with arginine at codon 45 of the STXBP2 protein (p.Cys45Arg). The cysteine residue is moderately conserved and there is a large physicochemical difference between cysteine and arginine. This variant is not present in population databases (ExAC no frequency). This variant has not been reported in the literature in individuals with STXBP2-related conditions. Algorithms developed to predict the effect of missense changes on protein structure and function are either unavailable or do not agree on the potential impact of this missense change (SIFT: "Tolerated"; PolyPhen-2: "Probably Damaging"; Align-GVGD: "Class C0").